The following is an entry in ClinVar:

NM_001563.4(IMPG1):c.574G>A (p.Val192Ile)

Gene: IMPG1 (interphotoreceptor matrix proteoglycan 1; minus strand). Cytogenetic location: 6q14.1.
Variant type: single nucleotide variant.
Coding change: c.574G>A on transcript NM_001563.4 (MANE Select); coding-DNA position 574, G replaced by A.
Protein change: p.Val192Ile; replaces valine 192 with isoleucine.
Molecular consequence: missense variant.
Genome position (GRCh38, 1-based): chr6:76,022,208, C>T on the plus strand (G>A on the coding strand, the complement: IMPG1 is on the minus strand). VCF-style: chr6-76022208-C-T. GRCh37 (hg19) VCF-style: chr6-76731925-C-T.
Other names: c.340G>A, p.Val114Ile (NM_001282368.2); short protein forms V114I, V192I.
Identifiers: ClinVar variation 856985 (VCV000856985.10), dbSNP rs1272470491, ClinGen allele CA364779389.

ClinVar aggregate classification (germline): Uncertain significance. Review status: criteria provided, multiple submitters, no conflicts (2 of 4 stars). 2 submissions from 2 submitters: Uncertain significance (2). Last evaluated 2022-09-21.

Allele frequency attached by ClinVar (database versions not stated): gnomAD exomes below 0.00001 and 0.00001; TOPMed 0.00001; gnomAD 0.00002.
gnomAD v4.1: 14 of 1,582,362 alleles (0.00088%); highest among the groups gnomAD compares: African/African-American, 0.0041%; no homozygotes.

Submissions (2):

Blueprint Genetics
Classification: Uncertain significance. Last evaluated: 2022-09-21. Review status: criteria provided, single submitter. Criteria: ACMG Guidelines, 2015. Collection method: clinical testing. Allele origin: germline.

Labcorp Genetics (formerly Invitae), Labcorp
Classification: Uncertain significance. Last evaluated: 2022-07-12. Review status: criteria provided, single submitter. Criteria: Invitae Variant Classification Sherloc (09022015). Collection method: clinical testing. Allele origin: germline.
Comment: This sequence change replaces valine, which is neutral and non-polar, with isoleucine, which is neutral and non-polar, at codon 192 of the IMPG1 protein (p.Val192Ile). In summary, the available evidence is currently insufficient to determine the role of this variant in disease. Therefore, it has been classified as a Variant of Uncertain Significance. Algorithms developed to predict the effect of missense changes on protein structure and function output the following: SIFT: "Tolerated"; PolyPhen-2: "Benign"; Align-GVGD: "Class C0". The isoleucine amino acid residue is found in multiple mammalian species, which suggests that this missense change does not adversely affect protein function. ClinVar contains an entry for this variant (Variation ID: 856985). This variant has not been reported in the literature in individuals affected with IMPG1-related conditions. This variant is present in population databases (no rsID available, gnomAD 0.007%).